The following is an entry in ClinVar:

ClinVar aggregate classification (germline): Likely benign (1 of 4 stars; one submission).

Conditions:
TNC-related disorder. Also called: TNC-related condition.

gnomAD v4.1: 175 of 1,592,270 alleles (0.011%); highest among the groups gnomAD compares: Middle Eastern, 0.018%; no homozygotes.

Submission:

PreventionGenetics, part of Exact Sciences
Classification: Likely benign for TNC-related condition. Last evaluated: 2024-12-20. Review status: criteria provided, single submitter. Criteria: ACMG Guidelines, 2015. Collection method: clinical testing. Allele origin: germline.
Comment: This variant is classified as likely benign based on ACMG/AMP sequence variant interpretation guidelines (Richards et al. 2015 PMID: 25741868, with internal and published modifications).

NM_002160.4(TNC):c.6498C>T (p.Gly2166=)

Gene: TNC (tenascin C; minus strand). Cytogenetic location: 9q33.1.
Variant type: single nucleotide variant.
Coding change: c.6498C>T on transcript NM_002160.4 (MANE Select); coding-DNA position 6498, C replaced by T.
Protein change: p.Gly2166=; no amino-acid change (glycine 2166 retained).
Molecular consequence: synonymous variant.
Genome position (GRCh38, 1-based): chr9:115,021,265, G>A on the plus strand (C>T on the coding strand, the complement: TNC is on the minus strand). VCF-style: chr9-115021265-G-A. GRCh37 (hg19) VCF-style: chr9-117783544-G-A.
Other names: c.5952C>T, p.Gly1984= (NM_001410991.1, NM_001439083.1, NM_001439084.1 and 2 more transcripts); c.7047C>T, p.Gly2349= (NM_001439065.1, NM_001439066.1, NM_001439067.1); c.6774C>T, p.Gly2258= (NM_001439068.1, NM_001439069.1, NM_001439070.1); c.6771C>T, p.Gly2257= (NM_001439071.1); c.6501C>T, p.Gly2167= (NM_001439072.1, NM_001439073.1); c.6498C>T, p.Gly2166= (NM_001439074.1, NM_001439075.1, NM_001439076.1); c.6225C>T, p.Gly2075= (NM_001439077.1, NM_001439078.1, NM_001439079.1 and 3 more transcripts); c.5679C>T, p.Gly1893= (NM_001439087.1, NM_001439088.1); and 4 more.
Identifiers: ClinVar variation 4981938 (VCV004981938.1).